The following is an entry in ClinVar:

ClinVar aggregate classification (germline): Pathogenic (1 of 4 stars; one submission).

Conditions:
Mucopolysaccharidosis, MPS-III-A (MPS3A). Also called: HEPARAN SULFATE SULFATASE DEFICIENCY; SANFILIPPO SYNDROME A; SULFAMIDASE DEFICIENCY; MPS III A; Mucopolysaccharidosis, type IIIA; mucopolysaccharidosis type 3A. Identifiers: Orphanet 581, Orphanet 79269, MedGen C0086647, MONDO:0009655, OMIM 252900.

Submission:

Labcorp Genetics (formerly Invitae), Labcorp
Classification: Pathogenic for Mucopolysaccharidosis, MPS-III-A. Last evaluated: 2023-04-12. Review status: criteria provided, single submitter. Criteria: Invitae Variant Classification Sherloc (09022015). Collection method: clinical testing. Allele origin: unknown.
Comment: For these reasons, this variant has been classified as Pathogenic. This variant disrupts a region of the SGSH protein in which other variant(s) (p.Thr271Met) have been determined to be pathogenic (PMID: 21204211, 28844463). This suggests that this is a clinically significant region of the protein, and that variants that disrupt it are likely to be disease-causing. This variant has not been reported in the literature in individuals affected with SGSH-related conditions. This variant is a gross deletion of the genomic region encompassing exon(s) 3-8 of the SGSH gene, which includes the termination codon. This deletion extends beyond the assayed region for this gene and therefore may encompass additional genes. While this deletion is not anticipated to lead to nonsense mediated decay, it is expected to alter mRNA translation or result in a truncated protein product.

Literature cited by the submitters: PubMed 21204211; PubMed 28844463.

NC_000017.10:g.(?_78184251)_(78188957_?)del

Gene: SGSH (N-sulfoglucosamine sulfohydrolase; minus strand). Cytogenetic location: 17q25.3.
Variant type: Deletion.
Identifiers: ClinVar variation 3242930 (VCV003242930.1).